The following is an entry in ClinVar:

ClinVar aggregate classification (germline): Uncertain significance (1 of 4 stars; one submission).

Allele frequency attached by ClinVar (database versions not stated): gnomAD exomes below 0.00001.

Submission:

Labcorp Genetics (formerly Invitae), Labcorp
Classification: Uncertain significance. Last evaluated: 2022-07-19. Review status: criteria provided, single submitter. Criteria: Invitae Variant Classification Sherloc (09022015). Collection method: clinical testing. Allele origin: germline.
Comment: In summary, the available evidence is currently insufficient to determine the role of this variant in disease. Therefore, it has been classified as a Variant of Uncertain Significance. Algorithms developed to predict the effect of missense changes on protein structure and function are either unavailable or do not agree on the potential impact of this missense change (SIFT: "Not Available"; PolyPhen-2: "Benign"; Align-GVGD: "Not Available"). ClinVar contains an entry for this variant (Variation ID: 1525945). This variant has not been reported in the literature in individuals affected with JAK1-related conditions. This variant is not present in population databases (gnomAD no frequency). This sequence change replaces glutamine, which is neutral and polar, with arginine, which is basic and polar, at codon 163 of the JAK1 protein (p.Gln163Arg).

NM_002227.4(JAK1):c.488A>G (p.Gln163Arg)

Gene: JAK1 (Janus kinase 1; minus strand). Cytogenetic location: 1p31.3.
Variant type: single nucleotide variant.
Coding change: c.488A>G on transcript NM_002227.4 (MANE Select); coding-DNA position 488, A replaced by G.
Protein change: p.Gln163Arg; replaces glutamine 163 with arginine.
Molecular consequence: missense variant.
Genome position (GRCh38, 1-based): chr1:64,869,470, T>C on the plus strand (A>G on the coding strand, the complement: JAK1 is on the minus strand). VCF-style: chr1-64869470-T-C. GRCh37 (hg19) VCF-style: chr1-65335153-T-C.
Other names: c.488A>G, p.Gln163Arg (NM_001320923.2, NM_001321852.2, NM_001321853.2 and 4 more transcripts); short protein forms Q163R.
Identifiers: ClinVar variation 1525945 (VCV001525945.8), dbSNP rs2101132500, ClinGen allele CA340677180.